The following is an entry in ClinVar:

NM_005263.5(GFI1):c.1243C>T (p.Arg415Trp)

Gene: GFI1 (growth factor independent 1 transcriptional repressor; minus strand). Cytogenetic location: 1p22.1.
Variant type: single nucleotide variant.
Coding change: c.1243C>T on transcript NM_005263.5 (MANE Select); coding-DNA position 1243, C replaced by T.
Protein change: p.Arg415Trp; replaces arginine 415 with tryptophan.
Molecular consequence: missense variant.
Genome position (GRCh38, 1-based): chr1:92,476,055, G>A on the plus strand (C>T on the coding strand, the complement: GFI1 is on the minus strand). VCF-style: chr1-92476055-G-A. GRCh37 (hg19) VCF-style: chr1-92941612-G-A.
Other names: p.Arg415Trp; c.1243C>T (NM_005263.3); c.1243C>T, p.Arg415Trp (NM_001127215.3, NM_001127216.3); short protein forms R415W.
Identifiers: ClinVar variation 1693957 (VCV001693957.7), dbSNP rs781101695, ClinGen allele CA951219.

ClinVar aggregate classification (germline): Uncertain significance. Review status: criteria provided, multiple submitters, no conflicts (2 of 4 stars). 3 submissions from 3 submitters: Uncertain significance (3). Last evaluated 2024-12-10.

Conditions:
Neutropenia, severe congenital, 2, autosomal dominant. Identifiers: Orphanet 486, MedGen C2751288, MONDO:0013139, OMIM 613107.

Allele frequency attached by ClinVar (database versions not stated): gnomAD exomes 0.00001; ExAC 0.00002; TOPMed 0.00004.

Submissions (3):

Labcorp Genetics (formerly Invitae), Labcorp
Classification: Uncertain significance for Neutropenia, severe congenital, 2, autosomal dominant. Last evaluated: 2024-12-10. Review status: criteria provided, single submitter. Criteria: Invitae Variant Classification Sherloc (09022015). Collection method: clinical testing. Allele origin: germline.
Comment: This sequence change replaces arginine, which is basic and polar, with tryptophan, which is neutral and slightly polar, at codon 415 of the GFI1 protein (p.Arg415Trp). This variant is present in population databases (rs781101695, gnomAD 0.002%). This variant has not been reported in the literature in individuals affected with GFI1-related conditions. ClinVar contains an entry for this variant (Variation ID: 1693957). Invitae Evidence Modeling of protein sequence and biophysical properties (such as structural, functional, and spatial information, amino acid conservation, physicochemical variation, residue mobility, and thermodynamic stability) indicates that this missense variant is not expected to disrupt GFI1 protein function with a negative predictive value of 80%. In summary, the available evidence is currently insufficient to determine the role of this variant in disease. Therefore, it has been classified as a Variant of Uncertain Significance.

Ambry Genetics
Classification: Uncertain significance. Last evaluated: 2024-11-23. Review status: criteria provided, single submitter. Criteria: Ambry Variant Classification Scheme 2023. Collection method: clinical testing. Allele origin: germline.
Comment: The p.R415W variant (also known as c.1243C>T), located in coding exon 6 of the GFI1 gene, results from a C to T substitution at nucleotide position 1243. The arginine at codon 415 is replaced by tryptophan, an amino acid with dissimilar properties. This amino acid position is conserved. In addition, this alteration is predicted to be tolerated by in silico analysis. Based on the available evidence, the clinical significance of this variant remains unclear.

Mayo Clinic Laboratories, Mayo Clinic
Classification: Uncertain significance. Last evaluated: 2022-01-06. Review status: criteria provided, single submitter. Criteria: ACMG Guidelines, 2015. Collection method: clinical testing. Allele origin: germline.